The following is an entry in ClinVar:

NM_000352.6(ABCC8):c.1269C>A (p.Ile423=)

Gene: ABCC8 (ATP binding cassette subfamily C member 8; minus strand). Cytogenetic location: 11p15.1.
Variant type: single nucleotide variant.
Coding change: c.1269C>A on transcript NM_000352.6 (MANE Select); coding-DNA position 1269, C replaced by A.
Protein change: p.Ile423=; no amino-acid change (isoleucine 423 retained).
Molecular consequence: synonymous variant. On other transcripts: non-coding transcript variant (1).
Genome position (GRCh38, 1-based): chr11:17,448,579, G>T on the plus strand (C>A on the coding strand, the complement: ABCC8 is on the minus strand). VCF-style: chr11-17448579-G-T. GRCh37 (hg19) VCF-style: chr11-17470126-G-T.
Other names: c.1269C>A, p.Ile423= (NM_001287174.3, NM_001351295.2); c.1266C>A, p.Ile422= (NM_001351296.2, NM_001351297.2).
Identifiers: ClinVar variation 877309 (VCV000877309.6), dbSNP rs370169777, ClinGen allele CA5903634.

ClinVar aggregate classification (germline): Conflicting classifications of pathogenicity. Review status: criteria provided, conflicting classifications (1 of 4 stars). 5 submissions from 3 submitters: Uncertain significance (3); Likely benign (1). 1 of the submissions does not count toward it. Last evaluated 2024-03-22.

Conditions:
Hereditary hyperinsulinism.
Diabetes mellitus, permanent neonatal 3. Also called: ABCC8-Related Permanent Neonatal Diabetes Mellitus. Identifiers: MedGen C5394303, MONDO:0030088, OMIM 618857.
Diabetes mellitus, transient neonatal, 2 (TNDM2). Identifiers: Orphanet 99886, MedGen C1835887, MONDO:0012480, OMIM 610374. Disease mechanism: loss of function.
Type 2 diabetes mellitus. Also called: Type II diabetes mellitus. Identifiers: MedGen C0011860, MeSH D003924, MONDO:0005148, OMIM 125853, HP:0005978.
Hyperinsulinemic hypoglycemia, familial, 1 (HHF1). Also called: Persistent Hyperinsulinemia Hypoglycemia of Infancy; Persistent hyperinsulinemic hypoglycemia of infancy; HYPERINSULINISM, FAMILIAL, WITH PANCREATIC NESIDIOBLASTOSIS; HYPOGLYCEMIA, HYPERINSULINEMIC, OF INFANCY; NESIDIOBLASTOSIS OF PANCREAS. Identifiers: Orphanet 276575, Orphanet 276598, MedGen C2931832, MONDO:0009734, OMIM 256450.
Leucine-induced hypoglycemia (LIH). Also called: LEUCINE-SENSITIVE HYPOGLYCEMIA OF INFANCY. Identifiers: MedGen C0271714, MONDO:0009415, OMIM 240800.
Permanent neonatal diabetes mellitus (PNDM). Identifiers: Orphanet 99885, MedGen C1833104, MONDO:0100164, MONDO:0011643. Disease mechanism: gain of function.

Allele frequency attached by ClinVar (database versions not stated): TOPMed 0.00004.
gnomAD v4.1: 52 of 1,614,046 alleles (0.0032%); highest among the groups gnomAD compares: Non-Finnish European, 0.0042%; no homozygotes.

Submissions (5):

Fulgent Genetics
Classification: Uncertain significance for Type 2 diabetes mellitus; Leucine-induced hypoglycemia; Hyperinsulinemic hypoglycemia, familial, 1; Diabetes mellitus, transient neonatal, 2; Diabetes mellitus, permanent neonatal 3. Last evaluated: 2024-03-22. Review status: criteria provided, single submitter. Criteria: ACMG Guidelines, 2015. Collection method: clinical testing. Allele origin: germline.

Illumina Laboratory Services, Illumina
Classification: Uncertain significance for Permanent neonatal diabetes mellitus 1. Last evaluated: 2018-01-12. Review status: criteria provided, single submitter. Criteria: ICSL Variant Classification Criteria 13 December 2019. Collection method: clinical testing. Allele origin: germline.

Illumina Laboratory Services, Illumina
Classification: Uncertain significance for Hyperinsulinemic hypoglycemia, familial, 1. Last evaluated: 2018-01-12. Review status: criteria provided, single submitter. Criteria: ICSL Variant Classification Criteria 13 December 2019. Collection method: clinical testing. Allele origin: germline.

Illumina Laboratory Services, Illumina
Classification: Likely benign for Diabetes mellitus, transient neonatal, 2. Last evaluated: 2018-01-12. Review status: criteria provided, single submitter. Criteria: ICSL Variant Classification Criteria 13 December 2019. Collection method: clinical testing. Allele origin: germline.
Comment: This variant was observed in the ICSL laboratory as part of a predisposition screen in an ostensibly healthy population. It had not been previously curated by ICSL or reported in the Human Gene Mutation Database (HGMD: prior to June 1st, 2018), and was therefore a candidate for classification through an automated scoring system. Utilizing variant allele frequency, disease prevalence and penetrance estimates, and inheritance mode, an automated score was calculated to assess if this variant is too frequent to cause the disease. Based on the score and internal cut-off values, a variant classified as likely benign is not then subjected to further curation. The score for this variant resulted in a classification of likely benign for this disease.

Natera, Inc.
Classification: Uncertain significance for Hereditary hyperinsulinism. Last evaluated: 2020-04-10. Review status: no assertion criteria provided. Collection method: clinical testing. Allele origin: germline. Not counted in ClinVar's aggregate classification.